The following is an entry in ClinVar:

ClinVar aggregate classification (germline): Likely benign (1 of 4 stars; one submission).

Submission:

CeGaT Center for Human Genetics Tuebingen
Classification: Likely benign. Last evaluated: 2026-08-01. Review status: criteria provided, single submitter. Criteria: CeGaT Center For Human Genetics Tuebingen Variant Classification Criteria Version 2. Collection method: clinical testing. Allele origin: germline. Affected: yes. Observed: 1 variant allele.
Comment: ELOA3P: BP4, BP7

NM_001387690.1(KATNAL2):c.52-17631C>T

Gene: KATNAL2 (katanin catalytic subunit A1 like 2; plus strand). Cytogenetic location: 18q21.1.
Variant type: single nucleotide variant.
Coding change: c.52-17631C>T on transcript NM_001387690.1 (MANE Select); 17631 bases into the intron before coding-DNA position 52, C replaced by T.
Molecular consequence: intron variant.
Genome position (GRCh38, 1-based): chr18:47,028,826, C>T. VCF-style: chr18-47028826-C-T. GRCh37 (hg19) VCF-style: chr18-44555197-C-T.
Other names: c.-1-29409C>T (NM_001353904.1, NM_001353903.1, NM_001353907.1 and 3 more transcripts); c.130-17631C>T (NM_001353899.1, NM_001353900.1, NM_001353902.1); c.52-17631C>T (NM_001353901.1, NM_001367621.1); c.-294-17631C>T (NM_001353905.1); c.-94-24054C>T (NM_031303.3).
Identifiers: ClinVar variation 5038902 (VCV005038902.1).